The following is an entry in ClinVar:

ClinVar aggregate classification (germline): Uncertain significance (1 of 4 stars; one submission).

Conditions:
Niemann-Pick disease, type C1. Also called: NIEMANN-PICK DISEASE, VARIANT TYPE C1; NEUROVISCERAL STORAGE DISEASE WITH VERTICAL SUPRANUCLEAR OPHTHALMOPLEGIA; NIEMANN-PICK DISEASE WITH CHOLESTEROL ESTERIFICATION BLOCK; NIEMANN-PICK DISEASE WITHOUT SPHINGOMYELINASE DEFICIENCY; NIEMANN-PICK DISEASE, CHRONIC NEURONOPATHIC FORM. Identifiers: Orphanet 646, MedGen C3179455, MONDO:0009757, OMIM 257220.

Allele frequency attached by ClinVar (database versions not stated): gnomAD exomes below 0.00001; ExAC 0.00001; gnomAD 0.00001.
gnomAD v4.1: 4 of 1,614,048 alleles (0.00025%); highest among the groups gnomAD compares: African/African-American, 0.0027%; no homozygotes.

Submission:

Labcorp Genetics (formerly Invitae), Labcorp
Classification: Uncertain significance for Niemann-Pick disease, type C1. Last evaluated: 2021-08-09. Review status: criteria provided, single submitter. Criteria: Invitae Variant Classification Sherloc (09022015). Collection method: clinical testing. Allele origin: germline.
Comment: This sequence change replaces valine with isoleucine at codon 1255 of the NPC1 protein (p.Val1255Ile). The valine residue is weakly conserved and there is a small physicochemical difference between valine and isoleucine. This variant is present in population databases (rs755597503, ExAC 0.01%). This variant has not been reported in the literature in individuals affected with NPC1-related conditions. Advanced modeling of protein sequence and biophysical properties (such as structural, functional, and spatial information, amino acid conservation, physicochemical variation, residue mobility, and thermodynamic stability) performed at Invitae indicates that this missense variant is not expected to disrupt NPC1 protein function. In summary, the available evidence is currently insufficient to determine the role of this variant in disease. Therefore, it has been classified as a Variant of Uncertain Significance.

NM_000271.5(NPC1):c.3763G>A (p.Val1255Ile)

Gene: NPC1 (NPC intracellular cholesterol transporter 1; minus strand). Cytogenetic location: 18q11.2.
Variant type: single nucleotide variant.
Coding change: c.3763G>A on transcript NM_000271.5 (MANE Select); coding-DNA position 3763, G replaced by A.
Protein change: p.Val1255Ile; replaces valine 1255 with isoleucine.
Molecular consequence: missense variant.
Genome position (GRCh38, 1-based): chr18:23,532,276, C>T on the plus strand (G>A on the coding strand, the complement: NPC1 is on the minus strand). VCF-style: chr18-23532276-C-T. GRCh37 (hg19) VCF-style: chr18-21112240-C-T.
Other names: short protein forms V1255I.
Identifiers: ClinVar variation 1421733 (VCV001421733.3), dbSNP rs755597503, ClinGen allele CA8912644.